The following is an entry in ClinVar:

ClinVar aggregate classification (germline): Uncertain significance (1 of 4 stars; one submission).

Conditions:
Bloom syndrome (BLM). Also called: Bloom-Torre-Machacek syndrome. Identifiers: Orphanet 125, MedGen C0005859, MONDO:0008876, OMIM 210900.

gnomAD v4.1: 3 of 1,569,980 alleles (0.00019%); highest among the groups gnomAD compares: Non-Finnish European, 0.00026%; no homozygotes.

Submission:

Labcorp Genetics (formerly Invitae), Labcorp
Classification: Uncertain significance for Bloom syndrome. Last evaluated: 2024-10-22. Review status: criteria provided, single submitter. Criteria: Invitae Variant Classification Sherloc (09022015). Collection method: clinical testing. Allele origin: germline.
Comment: This sequence change falls in intron 16 of the BLM gene. It does not directly change the encoded amino acid sequence of the BLM protein. It affects a nucleotide within the consensus splice site. This variant is not present in population databases (gnomAD no frequency). This variant has been observed in individual(s) with clinical features of Bloom syndrome (PMID: 17407155). ClinVar contains an entry for this variant (Variation ID: 1371029). Variants that disrupt the consensus splice site are a relatively common cause of aberrant splicing (PMID: 17576681, 9536098). Algorithms developed to predict the effect of sequence changes on RNA splicing suggest that this variant may disrupt the consensus splice site. In summary, the available evidence is currently insufficient to determine the role of this variant in disease. Therefore, it has been classified as a Variant of Uncertain Significance.

Literature cited by the submitters: PubMed 17407155; PubMed 17576681; PubMed 9536098.

NM_000057.4(BLM):c.3210+3A>T

Gene: BLM (BLM RecQ like helicase; plus strand). Cytogenetic location: 15q26.1.
Variant type: single nucleotide variant.
Coding change: c.3210+3A>T on transcript NM_000057.4 (MANE Select); 3 bases into the intron after coding-DNA position 3210, A replaced by T.
Molecular consequence: intron variant.
Genome position (GRCh38, 1-based): chr15:90,794,360, A>T. VCF-style: chr15-90794360-A-T. GRCh37 (hg19) VCF-style: chr15-91337590-A-T.
Other names: c.3210+3A>T (NM_001287246.2, NM_001287247.2); c.2085+3A>T (NM_001287248.2).
Identifiers: ClinVar variation 1371029 (VCV001371029.7), dbSNP rs2151187459, ClinGen allele CA2573151429.
Genomic context (GRCh38, chr15:90,794,360, plus strand): 5'-TCCTGATTTTTGTAAGAAACACCCAGATGTTTCTTGTGATAATTGCTGTAAAACAAAGGT[A>T]AAAAAAGAAGTTTTAAAATTCTTTATAATTAAATTTTTTTTCTCTTACTTTAAAAATGTA-3'